The following is an entry in ClinVar:

ClinVar aggregate classification (germline): Uncertain significance. Review status: criteria provided, single submitter (1 of 4 stars). 2 submissions from 2 submitters: Uncertain significance (1). 1 of the submissions does not count toward it. Last evaluated 2025-10-01.

Conditions:
Cardiovascular phenotype. Identifiers: MedGen CN230736.
Hypercholesterolemia, familial, 1. Also called: LDL RECEPTOR DISORDER; Hyperlipoproteinemia Type IIa; HYPER-LOW-DENSITY-LIPOPROTEINEMIA; HYPERCHOLESTEROLEMIC XANTHOMATOSIS, FAMILIAL; Fredrickson type IIa hyperlipoproteinemia; Hyperlipoproteinemia type 2. Identifiers: Orphanet 391665, MedGen C0745103, MONDO:0007750, OMIM 143890.

gnomAD v4.1: 1 of 1,613,966 alleles (0.000062%); highest among the groups gnomAD compares: Non-Finnish European, 0.000085%; no homozygotes.

Submissions (2):

Ambry Genetics
Classification: Uncertain significance for Cardiovascular phenotype. Last evaluated: 2025-10-01. Review status: criteria provided, single submitter. Criteria: Ambry Variant Classification Scheme 2023. Collection method: clinical testing. Allele origin: germline.
Comment: The p.E3590K variant (also known as c.10768G>A), located in coding exon 26 of the APOB gene, results from a G to A substitution at nucleotide position 10768. The glutamic acid at codon 3590 is replaced by lysine, an amino acid with similar properties. This amino acid position is well conserved in available vertebrate species. In addition, this alteration is predicted to be tolerated by in silico analysis. Based on the available evidence, the clinical significance of this variant remains unclear.

Laboratorium voor Moleculaire Diagnostiek Experimentele Vasculaire Geneeskunde, Academisch Medisch Centrum
Classification: Pathogenic for Familial hypercholesterolemia. Review status: no assertion criteria provided. Collection method: research. Allele origin: germline. Not counted in ClinVar's aggregate classification.

NM_000384.3(APOB):c.10768G>A (p.Glu3590Lys)

Gene: APOB (apolipoprotein B; minus strand). Cytogenetic location: 2p24.1.
Variant type: single nucleotide variant.
Coding change: c.10768G>A on transcript NM_000384.3 (MANE Select); coding-DNA position 10768, G replaced by A.
Protein change: p.Glu3590Lys; replaces glutamic acid 3590 with lysine.
Molecular consequence: missense variant.
Genome position (GRCh38, 1-based): chr2:21,006,100, C>T on the plus strand (G>A on the coding strand, the complement: APOB is on the minus strand). VCF-style: chr2-21006100-C-T. GRCh37 (hg19) VCF-style: chr2-21228972-C-T.
Other names: short protein forms E3590K.
Identifiers: ClinVar variation 440516 (VCV000440516.2), dbSNP rs747606537, ClinGen allele CA345985022.